The following is an entry in ClinVar:

NM_001354712.2(THRB):c.927C>G (p.Cys309Trp)

Gene: THRB (thyroid hormone receptor beta; minus strand). Cytogenetic location: 3p24.2.
Variant type: single nucleotide variant.
Coding change: c.927C>G on transcript NM_001354712.2 (MANE Select); coding-DNA position 927, C replaced by G.
Protein change: p.Cys309Trp; replaces cysteine 309 with tryptophan.
Molecular consequence: missense variant.
Genome position (GRCh38, 1-based): chr3:24,127,716, G>C on the plus strand (C>G on the coding strand, the complement: THRB is on the minus strand). VCF-style: chr3-24127716-G-C. GRCh37 (hg19) VCF-style: chr3-24169207-G-C.
Other names: c.927C>G, p.Cys309Trp (NM_000461.5, NM_001128176.3, NM_001128177.2 and 12 more transcripts); c.834C>G, p.Cys278Trp (NM_001354714.2, NM_001354715.2); short protein forms C309W, C278W.
Identifiers: ClinVar variation 3572092 (VCV003572092.1).

ClinVar aggregate classification (germline): Uncertain significance (1 of 4 stars; one submission).

Submission:

Quest Diagnostics Nichols Institute San Juan Capistrano
Classification: Uncertain significance. Last evaluated: 2024-06-07. Review status: criteria provided, single submitter. Criteria: Quest Diagnostics criteria. Collection method: clinical testing. Allele origin: unknown.
Comment: The THRB c.927C>G (p.Cys309Trp) variant has not been reported in individuals with THRB-related conditions in the published literature. It also has not been reported in large, multi-ethnic general populations (Genome Aggregation Database). Analysis of this variant using bioinformatics tools for the prediction of the effect of amino acid changes on protein structure and function yielded predictions that this variant is damaging. Based on the available information, we are unable to determine the clinical significance of this variant.